The following is an entry in ClinVar:

ClinVar aggregate classification (germline): Uncertain significance (1 of 4 stars; one submission).

Conditions:
Hyperaldosteronism, familial, type IV (HALD4). Also called: FH IV; ALDOSTERONISM, PRIMARY, AND HYPERTENSION. Identifiers: Orphanet 642671, MedGen C4310756, MONDO:0014875, OMIM 617027.
Idiopathic generalized epilepsy. Also called: EIG; Generalised epilepsy. Identifiers: MedGen C0270850, MONDO:0005579, OMIM 600669.

Allele frequency attached by ClinVar (database versions not stated): TOPMed below 0.00001.
gnomAD v4.1: 2 of 1,605,026 alleles (0.00012%); highest among the groups gnomAD compares: Non-Finnish European, 0.00017%; no homozygotes.

Submission:

Labcorp Genetics (formerly Invitae), Labcorp
Classification: Uncertain significance for Idiopathic generalized epilepsy; Hyperaldosteronism, familial, type IV. Last evaluated: 2023-06-09. Review status: criteria provided, single submitter. Criteria: Invitae Variant Classification Sherloc (09022015). Collection method: clinical testing. Allele origin: germline.
Comment: This sequence change replaces arginine, which is basic and polar, with histidine, which is basic and polar, at codon 132 of the CACNA1H protein (p.Arg132His). This variant is not present in population databases (gnomAD no frequency). This missense change has been observed in individual(s) with clinical features of CACNA1H-related conditions (PMID: 35910327). Advanced modeling of protein sequence and biophysical properties (such as structural, functional, and spatial information, amino acid conservation, physicochemical variation, residue mobility, and thermodynamic stability) performed at Invitae indicates that this missense variant is not expected to disrupt CACNA1H protein function. In summary, the available evidence is currently insufficient to determine the role of this variant in disease. Therefore, it has been classified as a Variant of Uncertain Significance.

Literature cited by the submitters: PubMed 35910327.

NM_021098.3(CACNA1H):c.395G>A (p.Arg132His)

Gene: CACNA1H (calcium voltage-gated channel subunit alpha1 H; plus strand). Cytogenetic location: 16p13.3.
Variant type: single nucleotide variant.
Coding change: c.395G>A on transcript NM_021098.3 (MANE Select); coding-DNA position 395, G replaced by A.
Protein change: p.Arg132His; replaces arginine 132 with histidine.
Molecular consequence: missense variant.
Genome position (GRCh38, 1-based): chr16:1,195,067, G>A. VCF-style: chr16-1195067-G-A. GRCh37 (hg19) VCF-style: chr16-1245067-G-A.
Other names: c.395G>A, p.Arg132His (NM_001005407.2); short protein forms R132H.
Identifiers: ClinVar variation 2932270 (VCV002932270.3), dbSNP rs1966857032, ClinGen allele CA394152220.